The following is an entry in ClinVar:

ClinVar aggregate classification (germline): Uncertain significance (1 of 4 stars; one submission).

gnomAD v4.1: 5 of 1,602,484 alleles (0.00031%); highest among the groups gnomAD compares: African/African-American, 0.0013%; no homozygotes.

Submission:

Labcorp Genetics (formerly Invitae), Labcorp
Classification: Uncertain significance. Last evaluated: 2025-06-29. Review status: criteria provided, single submitter. Criteria: Invitae Variant Classification Sherloc (09022015). Collection method: clinical testing. Allele origin: germline.
Comment: This sequence change replaces glutamic acid, which is acidic and polar, with aspartic acid, which is acidic and polar, at codon 1120 of the AUTS2 protein (p.Glu1120Asp). This variant is present in population databases (rs780713561, gnomAD 0.003%). This variant has not been reported in the literature in individuals affected with AUTS2-related conditions. ClinVar contains an entry for this variant (Variation ID: 3652316). Invitae Evidence Modeling of protein sequence and biophysical properties (such as structural, functional, and spatial information, amino acid conservation, physicochemical variation, residue mobility, and thermodynamic stability) has been performed for this missense variant. However, the output from this modeling did not meet the statistical confidence thresholds required to predict the impact of this variant on AUTS2 protein function. In summary, the available evidence is currently insufficient to determine the role of this variant in disease. Therefore, it has been classified as a Variant of Uncertain Significance.

NM_015570.4(AUTS2):c.3360G>T (p.Glu1120Asp)

Gene: AUTS2 (activator of transcription and developmental regulator AUTS2; plus strand). Cytogenetic location: 7q11.22.
Variant type: single nucleotide variant.
Coding change: c.3360G>T on transcript NM_015570.4 (MANE Select); coding-DNA position 3360, G replaced by T.
Protein change: p.Glu1120Asp; replaces glutamic acid 1120 with aspartic acid.
Molecular consequence: missense variant.
Genome position (GRCh38, 1-based): chr7:70,790,576, G>T. VCF-style: chr7-70790576-G-T. GRCh37 (hg19) VCF-style: chr7-70255562-G-T.
Other names: c.3288G>T, p.Glu1096Asp (NM_001127231.3); short protein forms E1120D, E1096D.
Identifiers: ClinVar variation 3652316 (VCV003652316.2).